The following is an entry in ClinVar:

ClinVar aggregate classification (germline): Benign. Review status: criteria provided, multiple submitters, no conflicts (2 of 4 stars). 3 submissions from 3 submitters: Benign (3). Last evaluated 2024-01-24.

Allele frequency attached by ClinVar (database versions not stated): ESP Exome Variant Server 0.26638; gnomAD 0.27813 and 0.28082; 1000 Genomes Project 0.28594; 1000 Genomes Project 30x 0.28670; TOPMed 0.29242; gnomAD exomes 0.29913 and 0.31410; ExAC 0.30799.
gnomAD v4.1: 472,408 of 1,590,636 alleles (30%); highest among the groups gnomAD compares: Admixed American, 49%; 72,497 homozygotes.

Submissions (3):

Unidad de Genómica Garrahan, Hospital de Pediatría Garrahan
Classification: Benign. Last evaluated: 2024-01-24. Review status: criteria provided, single submitter. Criteria: ACMG Guidelines, 2015. Collection method: clinical testing. Allele origin: germline. Affected: no. Observed: 61 variant alleles.
Comment: This variant is classified as Benign based on local population frequency. This variant was detected in 64% of patients studied by a panel of primary immunodeficiencies. Number of patients: 61. Only high quality variants are reported.

GeneDx
Classification: Benign. Last evaluated: 2018-11-12. Review status: criteria provided, single submitter. Criteria: GeneDx Variant Classification Process June 2021. Collection method: clinical testing. Allele origin: germline. Affected: yes.

Breakthrough Genomics
Classification: Benign. Review status: criteria provided, single submitter. Criteria: ACMG Guidelines, 2015. Collection method: not provided. Allele origin: germline. Inheritance: Autosomal recessive inheritance. Affected: yes.

NM_025099.6(CTC1):c.647+25A>G

Gene: CTC1 (CST telomere replication complex component 1; minus strand). Cytogenetic location: 17p13.1.
Variant type: single nucleotide variant.
Coding change: c.647+25A>G on transcript NM_025099.6 (MANE Select); 25 bases into the intron after coding-DNA position 647, A replaced by G.
Molecular consequence: intron variant.
Genome position (GRCh38, 1-based): chr17:8,238,006, T>C on the plus strand (A>G on the coding strand, the complement: CTC1 is on the minus strand). VCF-style: chr17-8238006-T-C. GRCh37 (hg19) VCF-style: chr17-8141324-T-C.
Identifiers: ClinVar variation 1239972 (VCV001239972.6), dbSNP rs11655903, ClinGen allele CA8372585.